The following is an entry in ClinVar:

ClinVar aggregate classification (germline): Uncertain significance. Review status: criteria provided, multiple submitters, no conflicts (2 of 4 stars). 5 submissions from 5 submitters: Uncertain significance (5). Last evaluated 2024-07-29.

Conditions:
Lynch syndrome. Identifiers: Orphanet 144, MedGen C4552100, MONDO:0005835. Disease mechanism: loss of function.
Hereditary nonpolyposis colorectal neoplasms. Identifiers: MedGen C0009405, MeSH D003123.
Hereditary cancer-predisposing syndrome. Also called: Neoplastic Syndromes, Hereditary; Hereditary Cancer Syndrome; Tumor predisposition; Hereditary neoplastic syndrome. Identifiers: Orphanet 140162, MedGen C0027672, MeSH D009386, MONDO:0015356.

Submissions (5):

Women's Health and Genetics/Laboratory Corporation of America, LabCorp
Classification: Uncertain significance. Last evaluated: 2024-07-29. Review status: criteria provided, single submitter. Criteria: LabCorp Variant Classification Summary - May 2015. Collection method: clinical testing. Allele origin: germline.
Comment: Variant summary: PMS2 c.934A>T (p.Met312Leu) results in a conservative amino acid change located in the DNA mismatch repair protein, S5 domain 2-like (IPR013507) of the encoded protein sequence. Five of five in-silico tools predict a benign effect of the variant on protein function. The variant was absent in 251298 control chromosomes. The available data on variant occurrences in the general population are insufficient to allow any conclusion about variant significance. c.934A>T has been reported in the literature in an individual affected with Breast or Ovarian Cancer (Tsaousis_2019). These report(s) do not provide unequivocal conclusions about association of the variant with Lynch Syndrome. To our knowledge, no experimental evidence demonstrating an impact on protein function has been reported. The following publication have been ascertained in the context of this evaluation (PMID: 31159747). ClinVar contains an entry for this variant (Variation ID: 584547). Based on the evidence outlined above, the variant was classified as uncertain significance.

All of Us Research Program, National Institutes of Health
Classification: Uncertain significance for Lynch syndrome. Last evaluated: 2024-05-30. Review status: criteria provided, single submitter. Criteria: ACMG Guidelines, 2015. Collection method: clinical testing. Allele origin: germline. Inheritance: Autosomal dominant inheritance. Observed: 2 variant alleles, 2 heterozygotes.
Comment: This missense variant replaces methionine with leucine at codon 312 of the PMS2 protein. Computational prediction tool suggests that this variant may not impact protein structure and function (internally defined REVEL score threshold <=0.5, PMID: 27666373). Splice site prediction tools suggest that this variant may not impact RNA splicing. To our knowledge, functional studies have not been performed for this variant. This variant has not been reported in individuals affected with hereditary cancer in the literature. This variant has not been identified in the general population by the Genome Aggregation Database (gnomAD). The available evidence is insufficient to determine the role of this variant in disease conclusively. Therefore, this variant is classified as a Variant of Uncertain Significance.

This study involves interpretation of variants in research participants for the purpose of population health screening. Participant phenotype was not available at the time of variant classification. Additional details can be found in publication PMID: 35346344, PMCID: PMC8962531

Ambry Genetics
Classification: Uncertain significance for Hereditary cancer-predisposing syndrome. Last evaluated: 2024-02-27. Review status: criteria provided, single submitter. Criteria: Ambry Variant Classification Scheme 2023. Collection method: clinical testing. Allele origin: germline.
Comment: The p.M312L variant (also known as c.934A>T), located in coding exon 9 of the PMS2 gene, results from an A to T substitution at nucleotide position 934. The methionine at codon 312 is replaced by leucine, an amino acid with highly similar properties. This variant was detected in 1/1197 individuals with a personal or family history of breast and/or ovarian cancer from a Greek, Romanian, and Turkish cohort (Tsaousis GN et al. BMC Cancer, 2019 Jun;19:535). This amino acid position is not well conserved in available vertebrate species. In addition, this alteration is predicted to be tolerated by in silico analysis. Based on the available evidence, the clinical significance of this alteration remains unclear.

Labcorp Genetics (formerly Invitae), Labcorp
Classification: Uncertain significance for Hereditary nonpolyposis colorectal neoplasms. Last evaluated: 2024-01-16. Review status: criteria provided, single submitter. Criteria: Invitae Variant Classification Sherloc (09022015). Collection method: clinical testing. Allele origin: germline.
Comment: This sequence change replaces methionine, which is neutral and non-polar, with leucine, which is neutral and non-polar, at codon 312 of the PMS2 protein (p.Met312Leu). This variant is not present in population databases (gnomAD no frequency). This missense change has been observed in individual(s) with breast and/or ovarian cancer (PMID: 31159747). ClinVar contains an entry for this variant (Variation ID: 584547). Advanced modeling of protein sequence and biophysical properties (such as structural, functional, and spatial information, amino acid conservation, physicochemical variation, residue mobility, and thermodynamic stability) performed at Invitae indicates that this missense variant is not expected to disrupt PMS2 protein function with a negative predictive value of 80%. In summary, the available evidence is currently insufficient to determine the role of this variant in disease. Therefore, it has been classified as a Variant of Uncertain Significance.

GeneKor MSA
Classification: Uncertain significance for Hereditary cancer-predisposing syndrome. Last evaluated: 2018-08-01. Review status: criteria provided, single submitter. Criteria: ACMG Guidelines, 2015. Collection method: clinical testing. Allele origin: germline. Affected: yes.

Literature cited by the submitters: PubMed 31159747 (cited by 3 submitters).

NM_000535.7(PMS2):c.934A>T (p.Met312Leu)

Gene: PMS2 (PMS1 homolog 2, mismatch repair system component; minus strand). Cytogenetic location: 7p22.1.
Variant type: single nucleotide variant.
Coding change: c.934A>T on transcript NM_000535.7 (MANE Select); coding-DNA position 934, A replaced by T.
Protein change: p.Met312Leu; replaces methionine 312 with leucine.
Molecular consequence: missense variant. On other transcripts: initiator codon variant (2), non-coding transcript variant (1).
Genome position (GRCh38, 1-based): chr7:5,992,027, T>A on the plus strand (A>T on the coding strand, the complement: PMS2 is on the minus strand). VCF-style: chr7-5992027-T-A. GRCh37 (hg19) VCF-style: chr7-6031658-T-A.
Other names: c.529A>T, p.Met177Leu (NM_001322003.2, NM_001322004.2, NM_001322005.2 and 2 more transcripts); c.934A>T, p.Met312Leu (NM_001322006.2, NM_001322014.2); c.616A>T, p.Met206Leu (NM_001322007.2, NM_001322008.2); c.1A>T, p.Met1Leu (NM_001322011.2, NM_001322012.2); c.361A>T, p.Met121Leu (NM_001322013.2); c.625A>T, p.Met209Leu (NM_001322015.2); short protein forms M312L, M1L, M206L, M209L, M121L, M177L.
Identifiers: ClinVar variation 584547 (VCV000584547.16), dbSNP rs786202567, ClinGen allele CA366743165.